The following is an entry in ClinVar:

ClinVar aggregate classification (germline): Pathogenic (1 of 4 stars; one submission).

Conditions:
Muscular dystrophy-dystroglycanopathy (congenital with brain and eye anomalies), type a, 12 (MDDGA12). Also called: WALKER-WARBURG SYNDROME OR MUSCLE-EYE-BRAIN DISEASE, POMK-RELATED. Identifiers: Orphanet 899, MedGen C3808964, MONDO:0014101, OMIM 615249.
Limb-girdle muscular dystrophy due to POMK deficiency. Also called: Muscular dystrophy-dystroglycanopathy (limb-girdle), type c, 12; MUSCULAR DYSTROPHY-DYSTROGLYCANOPATHY, LIMB-GIRDLE, POMK-RELATED. Identifiers: Orphanet 445110, MedGen C4015184, MONDO:0014489, OMIM 616094.

Submission:

Labcorp Genetics (formerly Invitae), Labcorp
Classification: Pathogenic for Muscular dystrophy-dystroglycanopathy (congenital with brain and eye anomalies), type a, 12; Limb-girdle muscular dystrophy due to POMK deficiency. Last evaluated: 2023-04-11. Review status: criteria provided, single submitter. Criteria: Invitae Variant Classification Sherloc (09022015). Collection method: clinical testing. Allele origin: germline.
Comment: This sequence change creates a premature translational stop signal (p.Trp283Glyfs*60) in the POMK gene. While this is not anticipated to result in nonsense mediated decay, it is expected to disrupt the last 68 amino acid(s) of the POMK protein. This variant is not present in population databases (gnomAD no frequency). This variant has not been reported in the literature in individuals affected with POMK-related conditions. This variant disrupts a region of the POMK protein in which other variant(s) (p.Arg303*) have been determined to be pathogenic (Invitae). This suggests that this is a clinically significant region of the protein, and that variants that disrupt it are likely to be disease-causing. For these reasons, this variant has been classified as Pathogenic.

NM_032237.5(POMK):c.847del (p.Trp283fs)

Gene: POMK (protein O-mannose kinase; plus strand). Cytogenetic location: 8p11.21.
Variant type: Deletion.
Coding change: c.847del on transcript NM_032237.5 (MANE Select); coding-DNA position 847, one base deleted (T; older notation c.847delT).
Protein change: p.Trp283fs; shifts the reading frame from tryptophan 283.
Molecular consequence: frameshift variant.
Genome position (GRCh38, 1-based): chr8:43,122,671, T deleted; the last of 3 consecutive T bases (chr8:43,122,669-43,122,671); deleting any one gives the same sequence. VCF-style (leftmost placement, unchanged base first): chr8-43122668-AT-A. GRCh37 (hg19) VCF-style: chr8-42977811-AT-A.
Other names: c.847del, p.Trp283fs (NM_001277971.2); short protein forms W283fs.
Identifiers: ClinVar variation 2945834 (VCV002945834.3), dbSNP rs2486781061, ClinGen allele CA2740095019.